The following is an entry in ClinVar:

NM_133642.5(LARGE1):c.788-2A>G

Gene: LARGE1 (LARGE xylosyl- and glucuronyltransferase 1; minus strand). Cytogenetic location: 22q12.3.
Variant type: single nucleotide variant.
Coding change: c.788-2A>G on transcript NM_133642.5 (MANE Select); the canonical splice acceptor site of the intron before coding-DNA position 788, A replaced by G.
Molecular consequence: splice acceptor variant.
Genome position (GRCh38, 1-based): chr22:33,432,267, T>C on the plus strand (A>G on the coding strand, the complement: LARGE1 is on the minus strand). VCF-style: chr22-33432267-T-C. GRCh37 (hg19) VCF-style: chr22-33828253-T-C.
Other names: c.788-2A>G (NM_001362953.2, NM_001362949.2, NM_001378627.1 and 7 more transcripts); c.185-2A>G (NM_001378631.1, NM_001378630.1).
Identifiers: ClinVar variation 2833164 (VCV002833164.3), dbSNP rs758620411, ClinGen allele CA10202929.

ClinVar aggregate classification (germline): Likely pathogenic (1 of 4 stars; one submission).

Conditions:
Muscular dystrophy-dystroglycanopathy type B6 (MDDGB6). Also called: MUSCULAR DYSTROPHY, CONGENITAL, LARGE-RELATED; MUSCULAR DYSTROPHY, CONGENITAL, TYPE 1D; MUSCULAR DYSTROPHY-DYSTROGLYCANOPATHY (CONGENITAL WITH IMPAIRED INTELLECTUAL DEVELOPMENT), TYPE B, 6. Identifiers: MedGen C1837229, MONDO:0012138, OMIM 608840.

Allele frequency attached by ClinVar (database versions not stated): ExAC 0.00001.
gnomAD v4.1: 1 of 1,611,162 alleles (0.000062%); highest among the groups gnomAD compares: East Asian, 0.0022%; no homozygotes.

Submission:

Labcorp Genetics (formerly Invitae), Labcorp
Classification: Likely pathogenic for Muscular dystrophy-dystroglycanopathy type B6. Last evaluated: 2023-02-06. Review status: criteria provided, single submitter. Criteria: Invitae Variant Classification Sherloc (09022015). Collection method: clinical testing. Allele origin: germline.
Comment: Algorithms developed to predict the effect of sequence changes on RNA splicing suggest that this variant may disrupt the consensus splice site. In summary, the currently available evidence indicates that the variant is pathogenic, but additional data are needed to prove that conclusively. Therefore, this variant has been classified as Likely Pathogenic. This sequence change affects an acceptor splice site in intron 7 of the LARGE1 gene. It is expected to disrupt RNA splicing. Variants that disrupt the donor or acceptor splice site typically lead to a loss of protein function (PMID: 16199547), and loss-of-function variants in LARGE1 are known to be pathogenic (PMID: 12966029, 17878207). This variant is present in population databases (rs758620411, gnomAD 0.006%). This variant has not been reported in the literature in individuals affected with LARGE1-related conditions.

Literature cited by the submitters: PubMed 16199547; PubMed 12966029; PubMed 17878207.